The following is an entry in ClinVar:

ClinVar aggregate classification (germline): Uncertain significance. Review status: criteria provided, multiple submitters, no conflicts (2 of 4 stars). 6 submissions from 6 submitters: Uncertain significance (6). Last evaluated 2026-05-17.

Conditions:
Marfan syndrome (MFS). Also called: Marfan syndrome, classic; FBN1-Related Marfan Syndrome; Marfan syndrome type 1; Marfan's syndrome; MARFAN SYNDROME, TYPE I. Identifiers: Orphanet 284963, Orphanet 558, MedGen C0024796, MONDO:0007947, OMIM 154700.
Familial thoracic aortic aneurysm and aortic dissection (TAAD). Also called: Thoracic aortic aneurysms and dissections. Identifiers: Orphanet 91387, MedGen C4707243, MONDO:0019625.

Allele frequency attached by ClinVar (database versions not stated): gnomAD exomes 0.00001; TOPMed below 0.00001; ExAC 0.00001; gnomAD 0.00001.
gnomAD v4.1: 6 of 1,614,100 alleles (0.00037%); highest among the groups gnomAD compares: Non-Finnish European, 0.00051%; no homozygotes.

Submissions (6):

Ambry Genetics
Classification: Uncertain significance for Familial thoracic aortic aneurysm and aortic dissection. Last evaluated: 2026-05-17. Review status: criteria provided, single submitter. Criteria: Ambry Variant Classification Scheme 2023. Collection method: clinical testing. Allele origin: germline.
Comment: The p.D1062N variant (also known as c.3184G>A), located in coding exon 25 of the FBN1 gene, results from a G to A substitution at nucleotide position 3184. The aspartic acid at codon 1062 is replaced by asparagine, an amino acid with highly similar properties. This amino acid position is conserved. In addition, this alteration is predicted to be tolerated by in silico analysis. Based on the available evidence, the clinical significance of this variant remains unclear.

Labcorp Genetics (formerly Invitae), Labcorp
Classification: Uncertain significance for Marfan syndrome; Familial thoracic aortic aneurysm and aortic dissection. Last evaluated: 2025-10-14. Review status: criteria provided, single submitter. Criteria: Invitae Variant Classification Sherloc (09022015). Collection method: clinical testing. Allele origin: germline.
Comment: This sequence change replaces aspartic acid, which is acidic and polar, with asparagine, which is neutral and polar, at codon 1062 of the FBN1 protein (p.Asp1062Asn). This variant is present in population databases (rs758366498, gnomAD 0.003%). This variant has not been reported in the literature in individuals affected with FBN1-related conditions. ClinVar contains an entry for this variant (Variation ID: 200014). Invitae Evidence Modeling of protein sequence and biophysical properties (such as structural, functional, and spatial information, amino acid conservation, physicochemical variation, residue mobility, and thermodynamic stability) indicates that this missense variant is expected to disrupt FBN1 protein function with a positive predictive value of 80%. In summary, the available evidence is currently insufficient to determine the role of this variant in disease. Therefore, it has been classified as a Variant of Uncertain Significance.

GeneDx
Classification: Uncertain significance. Last evaluated: 2023-12-06. Review status: criteria provided, single submitter. Criteria: GeneDx Variant Classification Process June 2021. Collection method: clinical testing. Allele origin: germline. Affected: yes.
Comment: Not observed at significant frequency in large population cohorts (gnomAD); In silico analysis supports that this missense variant has a deleterious effect on protein structure/function; Has not been previously published as pathogenic or benign to our knowledge; Although located in a calcium-binding EGF-like domain of the FBN1 gene, it does not affect a cysteine residue within this domain; cysteine substitutions in the calcium-binding EGF-like domains represent the majority of pathogenic missense changes associated with FBN1-related disorders (PMID: 20591885); This variant is associated with the following publications: (PMID: 20591885)

All of Us Research Program, National Institutes of Health
Classification: Uncertain significance for Marfan syndrome. Last evaluated: 2023-10-06. Review status: criteria provided, single submitter. Criteria: ACMG Guidelines, 2015. Collection method: clinical testing. Allele origin: germline. Inheritance: Autosomal dominant inheritance. Observed: 3 variant alleles, 3 heterozygotes.
Comment: This missense variant replaces aspartic acid with asparagine at codon 1062 of the FBN1 protein. Computational prediction suggests that this variant may not impact protein structure and function (internally defined REVEL score threshold <= 0.5, PMID: 27666373). Splice site prediction tools suggest that this variant may not impact RNA splicing. To our knowledge, functional studies have not been performed for this variant. This variant has not been reported in individuals affected with cardiovascular disorders in the literature. This variant has been identified in 4/282902 chromosomes in the general population by the Genome Aggregation Database (gnomAD). The available evidence is insufficient to determine the role of this variant in disease conclusively. Therefore, this variant is classified as a Variant of Uncertain Significance.

This study involves interpretation of variants in research participants for the purpose of population health screening. Participant phenotype was not available at the time of variant classification. Additional details can be found in publication PMID: 35346344, PMCID: PMC8962531

Color Diagnostics, LLC DBA Color Health
Classification: Uncertain significance for Familial thoracic aortic aneurysm and aortic dissection. Last evaluated: 2023-05-04. Review status: criteria provided, single submitter. Criteria: ACMG Guidelines, 2015. Collection method: clinical testing. Allele origin: germline.
Comment: This missense variant replaces aspartic acid with asparagine at codon 1062 of the FBN1 protein. Computational prediction suggests that this variant may not impact protein structure and function (internally defined REVEL score threshold <= 0.5, PMID: 27666373). Splice site prediction tools suggest that this variant may not impact RNA splicing. To our knowledge, functional studies have not been performed for this variant. This variant has not been reported in individuals affected with cardiovascular disorders in the literature. This variant has been identified in 4/282902 chromosomes in the general population by the Genome Aggregation Database (gnomAD). The available evidence is insufficient to determine the role of this variant in disease conclusively. Therefore, this variant is classified as a Variant of Uncertain Significance.

Mendelics
Classification: Uncertain significance for Marfan syndrome. Last evaluated: 2019-05-28. Review status: criteria provided, single submitter. Criteria: Mendelics Assertion Criteria 2017. Collection method: clinical testing. Allele origin: unknown.

NM_000138.5(FBN1):c.3184G>A (p.Asp1062Asn)

Gene: FBN1 (fibrillin 1; minus strand). Cytogenetic location: 15q21.1.
Variant type: single nucleotide variant.
Coding change: c.3184G>A on transcript NM_000138.5 (MANE Select); coding-DNA position 3184, G replaced by A.
Protein change: p.Asp1062Asn; replaces aspartic acid 1062 with asparagine.
Molecular consequence: missense variant.
Genome position (GRCh38, 1-based): chr15:48,488,392, C>T on the plus strand (G>A on the coding strand, the complement: FBN1 is on the minus strand). VCF-style: chr15-48488392-C-T. GRCh37 (hg19) VCF-style: chr15-48780589-C-T.
Other names: p.D1062N:GAT>AAT; short protein forms D1062N.
Identifiers: ClinVar variation 200014 (VCV000200014.12), dbSNP rs758366498, ClinGen allele CA013857.
Genomic context (GRCh38, chr15:48,488,392, plus strand): 5'-GTCCCCTCTCCTGGCCCTTAAGGCTCATTAACTGACCTGTGCAGTTCCTTTCTTCAGAAT[C>T]AAGAGCAAAGCCGCTGTCACACCTGCACTTAAAGCTGCCAATGGTGTTTCTGCACTTGCC-3'
Protein context (NP_000129.3, residues 1052-1072): KCRCDSGFAL[Asp1062Asn]SEERNCTDID